The following is an entry in ClinVar:

ClinVar aggregate classification (germline): Uncertain significance (1 of 4 stars; one submission).

Allele frequency attached by ClinVar (database versions not stated): gnomAD 0.00001; gnomAD exomes 0.00001; ExAC 0.00002; 1000 Genomes Project 0.00020; 1000 Genomes Project 30x 0.00031.
gnomAD v4.1: 4 of 1,613,966 alleles (0.00025%); highest among the groups gnomAD compares: Non-Finnish European, 0.00034%; no homozygotes.

Submission:

Labcorp Genetics (formerly Invitae), Labcorp
Classification: Uncertain significance. Last evaluated: 2025-04-28. Review status: criteria provided, single submitter. Criteria: Invitae Variant Classification Sherloc (09022015). Collection method: clinical testing. Allele origin: germline.
Comment: This sequence change replaces leucine, which is neutral and non-polar, with valine, which is neutral and non-polar, at codon 1766 of the MPDZ protein (p.Leu1766Val). This variant is present in population databases (rs202061722, gnomAD 0.003%). This variant has not been reported in the literature in individuals affected with MPDZ-related conditions. ClinVar contains an entry for this variant (Variation ID: 1492043). An algorithm developed to predict the effect of missense changes on protein structure and function (PolyPhen-2) suggests that this variant is likely to be disruptive. In summary, the available evidence is currently insufficient to determine the role of this variant in disease. Therefore, it has been classified as a Variant of Uncertain Significance.

NM_001378778.1(MPDZ):c.5296C>G (p.Leu1766Val)

Gene: MPDZ (multiple PDZ domain crumbs cell polarity complex component; minus strand). Cytogenetic location: 9p23.
Variant type: single nucleotide variant.
Coding change: c.5296C>G on transcript NM_001378778.1 (MANE Select); coding-DNA position 5296, C replaced by G.
Protein change: p.Leu1766Val; replaces leucine 1766 with valine.
Molecular consequence: missense variant.
Genome position (GRCh38, 1-based): chr9:13,119,585, G>C on the plus strand (C>G on the coding strand, the complement: MPDZ is on the minus strand). VCF-style: chr9-13119585-G-C. GRCh37 (hg19) VCF-style: chr9-13119584-G-C.
Other names: c.5197C>G, p.Leu1733Val (NM_001261406.2, NM_001261407.2, NM_001375416.1 and 3 more transcripts); c.5296C>G, p.Leu1766Val (NM_001330637.2, NM_003829.5); c.5395C>G, p.Leu1799Val (NM_001375413.1); c.5086C>G, p.Leu1696Val (NM_001375420.1, NM_001375421.1, NM_001375422.1 and 4 more transcripts); c.4888C>G, p.Leu1630Val (NM_001375427.1); short protein forms L1630V, L1696V, L1733V, L1766V, L1799V.
Identifiers: ClinVar variation 1492043 (VCV001492043.8), dbSNP rs202061722, ClinGen allele CA4986357.